The following is an entry in ClinVar:

ClinVar aggregate classification (germline): Likely benign. Review status: criteria provided, multiple submitters, no conflicts (2 of 4 stars). 3 submissions from 3 submitters: Likely benign (3). Last evaluated 2026-04-04.

Conditions:
Hereditary cancer-predisposing syndrome. Also called: Neoplastic Syndromes, Hereditary; Tumor predisposition; Hereditary Cancer Syndrome; Hereditary neoplastic syndrome. Identifiers: Orphanet 140162, MedGen C0027672, MeSH D009386, MONDO:0015356.
Gorlin syndrome. Also called: Nevoid Basal Cell Carcinoma Syndrome; Basal cell nevus syndrome. Identifiers: Orphanet 377, MedGen C0004779, MONDO:0007187.
PTCH1-related disorder. Also called: PTCH1-related disorders; PTCH1-related condition.

Allele frequency attached by ClinVar (database versions not stated): gnomAD exomes 0.00002 and 0.00004; TOPMed 0.00003; gnomAD 0.00006 and 0.00007; ExAC 0.00007; ESP Exome Variant Server 0.00008; 1000 Genomes Project 30x 0.00016; 1000 Genomes Project 0.00020.
gnomAD v4.1: 39 of 1,614,016 alleles (0.0024%); highest among the groups gnomAD compares: African/African-American, 0.0027%; no homozygotes.

Submissions (3):

PreventionGenetics, part of Exact Sciences
Classification: Likely benign for PTCH1-related condition. Last evaluated: 2026-04-04. Review status: criteria provided, single submitter. Criteria: ACMG Guidelines, 2015. Collection method: clinical testing. Allele origin: germline.
Comment: This variant is classified as likely benign based on ACMG/AMP sequence variant interpretation guidelines (Richards et al. 2015 PMID: 25741868, with internal and published modifications).

Labcorp Genetics (formerly Invitae), Labcorp
Classification: Likely benign for Gorlin syndrome. Last evaluated: 2026-01-27. Review status: criteria provided, single submitter. Criteria: Invitae Variant Classification Sherloc (09022015). Collection method: clinical testing. Allele origin: germline.

Ambry Genetics
Classification: Likely benign for Hereditary cancer-predisposing syndrome. Last evaluated: 2019-09-03. Review status: criteria provided, single submitter. Criteria: Ambry Variant Classification Scheme 2023. Collection method: clinical testing. Allele origin: germline.

NM_000264.5(PTCH1):c.1998G>A (p.Thr666=)

Genes: PTCH1 (patched 1; minus strand), LOC100507346 (uncharacterized LOC100507346; plus strand). Cytogenetic location: 9q22.32.
Variant type: single nucleotide variant.
Coding change: c.1998G>A on transcript NM_000264.5 (MANE Select); coding-DNA position 1998, G replaced by A.
Protein change: p.Thr666=; no amino-acid change (threonine 666 retained).
Molecular consequence: synonymous variant. On other transcripts: non-coding transcript variant (2).
Genome position (GRCh38, 1-based): chr9:95,469,003, C>T on the plus strand (G>A on the coding strand, the complement: PTCH1 is on the minus strand). VCF-style: chr9-95469003-C-T. GRCh37 (hg19) VCF-style: chr9-98231285-C-T.
Other names: c.1800G>A, p.Thr600= (NM_001083602.3); c.1995G>A, p.Thr665= (NM_001083603.3); c.1545G>A, p.Thr515= (NM_001083604.3, NM_001083605.3, NM_001083606.3 and 1 more transcripts); c.1842G>A, p.Thr614= (NM_001354918.2).
Identifiers: ClinVar variation 409130 (VCV000409130.17), dbSNP rs369710438, ClinGen allele CA5138466.